The following is an entry in ClinVar:

ClinVar aggregate classification (germline): Uncertain significance. Review status: criteria provided, multiple submitters, no conflicts (2 of 4 stars). 2 submissions from 2 submitters: Uncertain significance (2). Last evaluated 2022-04-06.

Conditions:
Oculodentodigital dysplasia, autosomal recessive. Also called: OCULODENTOOSSEOUS DYSPLASIA, AUTOSOMAL RECESSIVE; ODDD, AUTOSOMAL RECESSIVE; ODOD, AUTOSOMAL RECESSIVE. Identifiers: Orphanet 2710, MedGen C2749477, MONDO:0009768, OMIM 257850.

Submissions (2):

Labcorp Genetics (formerly Invitae), Labcorp
Classification: Uncertain significance for Oculodentodigital dysplasia, autosomal recessive. Last evaluated: 2022-04-06. Review status: criteria provided, single submitter. Criteria: Invitae Variant Classification Sherloc (09022015). Collection method: clinical testing. Allele origin: germline.
Comment: Algorithms developed to predict the effect of missense changes on protein structure and function are either unavailable or do not agree on the potential impact of this missense change (SIFT: "Deleterious"; PolyPhen-2: "Benign"; Align-GVGD: "Class C35"). In summary, the available evidence is currently insufficient to determine the role of this variant in disease. Therefore, it has been classified as a Variant of Uncertain Significance. This variant disrupts the p.Leu106 amino acid residue in GJA1. Other variant(s) that disrupt this residue have been observed in individuals with GJA1-related conditions (PMID: 24508941), which suggests that this may be a clinically significant amino acid residue. ClinVar contains an entry for this variant (Variation ID: 1303061). This missense change has been observed in individual(s) with oculodentodigital dysplasia (PMID: 19338053). This variant is not present in population databases (gnomAD no frequency). This sequence change replaces leucine, which is neutral and non-polar, with proline, which is neutral and non-polar, at codon 106 of the GJA1 protein (p.Leu106Pro).

GeneDx
Classification: Uncertain significance. Last evaluated: 2019-07-23. Review status: criteria provided, single submitter. Criteria: GeneDx Variant Classification Process June 2021. Collection method: clinical testing. Allele origin: germline. Affected: yes.
Comment: Not observed in large population cohorts (Lek et al., 2016); In silico analysis, which includes protein predictors and evolutionary conservation, supports that this variant does not alter protein structure/function; This variant is associated with the following publications: (PMID: 19338053)

Literature cited by the submitters: PubMed 24508941 (cited by Labcorp Genetics (formerly Invitae), Labcorp); PubMed 19338053 (cited by Labcorp Genetics (formerly Invitae), Labcorp).

NM_000165.5(GJA1):c.317T>C (p.Leu106Pro)

Gene: GJA1 (gap junction protein alpha 1; plus strand). Cytogenetic location: 6q22.31.
Variant type: single nucleotide variant.
Coding change: c.317T>C on transcript NM_000165.5 (MANE Select); coding-DNA position 317, T replaced by C.
Protein change: p.Leu106Pro; replaces leucine 106 with proline.
Molecular consequence: missense variant.
Genome position (GRCh38, 1-based): chr6:121,447,164, T>C. VCF-style: chr6-121447164-T-C. GRCh37 (hg19) VCF-style: chr6-121768310-T-C.
Other names: short protein forms L106P.
Identifiers: ClinVar variation 1303061 (VCV001303061.6), dbSNP rs2114283321, ClinGen allele CA365558681.